The following is an entry in ClinVar:

NM_020207.7(ERCC6L2):c.250T>A (p.Phe84Ile)

Gene: ERCC6L2 (ERCC excision repair 6 like 2; plus strand). Cytogenetic location: 9q22.32.
Variant type: single nucleotide variant.
Coding change: c.250T>A on transcript NM_020207.7 (MANE Select); coding-DNA position 250, T replaced by A.
Protein change: p.Phe84Ile; replaces phenylalanine 84 with isoleucine.
Molecular consequence: missense variant. On other transcripts: non-coding transcript variant (1).
Genome position (GRCh38, 1-based): chr9:95,881,072, T>A. VCF-style: chr9-95881072-T-A. GRCh37 (hg19) VCF-style: chr9-98643354-T-A.
Other names: c.250T>A, p.Phe84Ile (NM_001010895.4, NM_001375291.1, NM_001375292.1 and 2 more transcripts); short protein forms F84I.
Identifiers: ClinVar variation 4870586 (VCV004870586.1).

ClinVar aggregate classification (germline): Uncertain significance (1 of 4 stars; one submission).

Conditions:
Inborn genetic diseases. Identifiers: MedGen C0950123, MeSH D030342.

gnomAD v4.1: 1 of 1,613,526 alleles (0.000062%); highest among the groups gnomAD compares: South Asian, 0.0011%; no homozygotes.

Submission:

Ambry Genetics
Classification: Uncertain significance for Inborn genetic diseases. Last evaluated: 2026-04-11. Review status: criteria provided, single submitter. Criteria: Ambry Variant Classification Scheme 2023. Collection method: clinical testing. Allele origin: germline.
Comment: The p.F84I variant (also known as c.250T>A), located in coding exon 2 of the ERCC6L2 gene, results from a T to A substitution at nucleotide position 250. The phenylalanine at codon 84 is replaced by isoleucine, an amino acid with highly similar properties. This amino acid position is conserved. In addition, the in silico prediction for this alteration is inconclusive. Based on the available evidence, the clinical significance of this variant remains unclear.